The following is an entry in ClinVar:

ClinVar aggregate classification (germline): Pathogenic (1 of 4 stars; one submission).

Conditions:
Familial hypocalciuric hypercalcemia (FHH). Also called: Familial benign hypercalcemia. Identifiers: Orphanet 405, MedGen C1809471, MONDO:0018458.
Autosomal dominant hypocalcemia 1 (HYPOC1). Also called: HYPOCALCEMIA, FAMILIAL. Identifiers: MedGen C3715128, MONDO:0011013, OMIM 601198.

Submission:

Labcorp Genetics (formerly Invitae), Labcorp
Classification: Pathogenic for Familial hypocalciuric hypercalcemia; Autosomal dominant hypocalcemia 1. Last evaluated: 2021-10-31. Review status: criteria provided, single submitter. Criteria: Invitae Variant Classification Sherloc (09022015). Collection method: clinical testing. Allele origin: germline.
Comment: This sequence change creates a premature translational stop signal (p.Ala321Serfs*36) in the CASR gene. It is expected to result in an absent or disrupted protein product. Loss-of-function variants in CASR are known to be pathogenic (PMID: 22422767). This variant is not present in population databases (gnomAD no frequency). This variant has not been reported in the literature in individuals affected with CASR-related conditions. For these reasons, this variant has been classified as Pathogenic.

Literature cited by the submitters: PubMed 22422767.

NM_000388.4(CASR):c.961_962del (p.Ala321fs)

Gene: CASR (calcium sensing receptor; plus strand). Cytogenetic location: 3q21.1.
Variant type: Deletion.
Coding change: c.961_962del on transcript NM_000388.4 (MANE Select); coding-DNA positions 961 to 962, 2 bases deleted (GC; older notation c.961_962delGC).
Protein change: p.Ala321fs; shifts the reading frame from alanine 321.
Molecular consequence: frameshift variant.
Genome position (GRCh38, 1-based): chr3:122,261,996-122,261,997, GC deleted; deleting any 2 consecutive bases within chr3:122,261,995-122,261,997 gives the same sequence; the c. name uses the placement nearest the transcript's 3' end. VCF-style (leftmost placement, unchanged base first): chr3-122261994-TCG-T. GRCh37 (hg19) VCF-style: chr3-121980841-TCG-T.
Other names: c.961_962del, p.Ala321fs (NM_001178065.2); short protein forms A321fs.
Identifiers: ClinVar variation 1432045 (VCV001432045.6), dbSNP rs2107632620, ClinGen allele CA2573136447.